The following is an entry in ClinVar:

ClinVar aggregate classification (germline): Conflicting classifications of pathogenicity. Review status: criteria provided, conflicting classifications (1 of 4 stars). 2 submissions from 2 submitters: Uncertain significance (1); Likely benign (1). Last evaluated 2026-02-03.

Conditions:
Hereditary nonpolyposis colorectal neoplasms. Identifiers: MedGen C0009405, MeSH D003123.
Hereditary cancer-predisposing syndrome. Also called: Tumor predisposition; Hereditary Cancer Syndrome; Hereditary neoplastic syndrome; Neoplastic Syndromes, Hereditary. Identifiers: Orphanet 140162, MedGen C0027672, MeSH D009386, MONDO:0015356.

Submissions (2):

Ambry Genetics
Classification: Likely benign for Hereditary cancer-predisposing syndrome. Last evaluated: 2026-02-03. Review status: criteria provided, single submitter. Criteria: Ambry Variant Classification Scheme 2023. Collection method: clinical testing. Allele origin: germline.

Labcorp Genetics (formerly Invitae), Labcorp
Classification: Uncertain significance for Hereditary nonpolyposis colorectal neoplasms. Last evaluated: 2023-12-12. Review status: criteria provided, single submitter. Criteria: Invitae Variant Classification Sherloc (09022015). Collection method: clinical testing. Allele origin: germline.
Comment: This sequence change replaces arginine, which is basic and polar, with glycine, which is neutral and non-polar, at codon 487 of the PMS2 protein (p.Arg487Gly). This variant is not present in population databases (gnomAD no frequency). This variant has not been reported in the literature in individuals affected with PMS2-related conditions. ClinVar contains an entry for this variant (Variation ID: 1937908). Advanced modeling of protein sequence and biophysical properties (such as structural, functional, and spatial information, amino acid conservation, physicochemical variation, residue mobility, and thermodynamic stability) performed at Invitae indicates that this missense variant is not expected to disrupt PMS2 protein function with a negative predictive value of 80%. In summary, the available evidence is currently insufficient to determine the role of this variant in disease. Therefore, it has been classified as a Variant of Uncertain Significance.

NM_000535.7(PMS2):c.1459A>G (p.Arg487Gly)

Gene: PMS2 (PMS1 homolog 2, mismatch repair system component; minus strand). Cytogenetic location: 7p22.1.
Variant type: single nucleotide variant.
Coding change: c.1459A>G on transcript NM_000535.7 (MANE Select); coding-DNA position 1459, A replaced by G.
Protein change: p.Arg487Gly; replaces arginine 487 with glycine.
Molecular consequence: missense variant. On other transcripts: non-coding transcript variant (1).
Genome position (GRCh38, 1-based): chr7:5,987,306, T>C on the plus strand (A>G on the coding strand, the complement: PMS2 is on the minus strand). VCF-style: chr7-5987306-T-C. GRCh37 (hg19) VCF-style: chr7-6026937-T-C.
Other names: c.1054A>G, p.Arg352Gly (NM_001018040.1, NM_001322003.2, NM_001322004.2 and 17 more transcripts); c.1303A>G, p.Arg435Gly (NM_001322006.2, NM_001406870.1); c.1141A>G, p.Arg381Gly (NM_001322007.2, NM_001322008.2, NM_001406876.1 and 2 more transcripts); c.1459A>G, p.Arg487Gly (NM_001406871.1, NM_001406872.1, NM_001322014.2); c.1261A>G, p.Arg421Gly (NM_001406873.1); c.1291A>G, p.Arg431Gly (NM_001406874.1); c.1150A>G, p.Arg384Gly (NM_001406875.1, NM_001406877.1, NM_001406878.1 and 5 more transcripts); c.886A>G, p.Arg296Gly (NM_001406909.1, NM_001322013.2); and 12 more; short protein forms R365G, R381G, R421G, R487G, R230G, R296G, R300G, R329G.
Identifiers: ClinVar variation 1937908 (VCV001937908.6), dbSNP rs2535787431, ClinGen allele CA366741912.
Genomic context (GRCh38, chr7:5,987,306, plus strand): 5'-TGAACCCCTCAGAATCCACGGAAGTGCTGCCGTGCCCCGAGTCCTTCTCCACCTCCGCTC[T>C]GTCCGTAGGGTCACTGGGTCCGTGACTGGAACTCACTGCCTCTTTCTGAGGTCTCAGGAC-3'
Protein context (NP_000526.2, residues 477-497): SSHGPSDPTD[Arg487Gly]AEVEKDSGHG